The following is an entry in ClinVar:

ClinVar aggregate classification (germline): Uncertain significance (1 of 4 stars; one submission).

Conditions:
Combined immunodeficiency due to LRBA deficiency. Also called: Common variable immunodeficiency 8, with autoimmunity. Identifiers: Orphanet 445018, MedGen C3553512, MONDO:0013863, OMIM 614700.

gnomAD v4.1: 1 of 1,593,422 alleles (0.000063%); no homozygotes.

Submission:

Labcorp Genetics (formerly Invitae), Labcorp
Classification: Uncertain significance for Combined immunodeficiency due to LRBA deficiency. Last evaluated: 2021-05-24. Review status: criteria provided, single submitter. Criteria: Invitae Variant Classification Sherloc (09022015). Collection method: clinical testing. Allele origin: germline.
Comment: In summary, the available evidence is currently insufficient to determine the role of this variant in disease. Therefore, it has been classified as a Variant of Uncertain Significance. Nucleotide substitutions within the consensus splice site are a relatively common cause of aberrant splicing (PMID: 17576681, 9536098). Algorithms developed to predict the effect of sequence changes on RNA splicing suggest that this variant is not likely to affect RNA splicing, but this prediction has not been confirmed by published transcriptional studies. This variant has not been reported in the literature in individuals with LRBA-related conditions. This variant is not present in population databases (ExAC no frequency). This sequence change affects codon 1446 of the LRBA mRNA. It is a 'silent' change, meaning that it does not change the encoded amino acid sequence of the LRBA protein. It affects a nucleotide within the consensus splice site of the intron.

Literature cited by the submitters: PubMed 17576681; PubMed 9536098.

NM_001364905.1(LRBA):c.4338A>T (p.Leu1446=)

Gene: LRBA (LPS responsive beige-like anchor protein; minus strand). Cytogenetic location: 4q31.3.
Variant type: single nucleotide variant.
Coding change: c.4338A>T on transcript NM_001364905.1 (MANE Select); coding-DNA position 4338, A replaced by T.
Protein change: p.Leu1446=; no amino-acid change (leucine 1446 retained).
Molecular consequence: synonymous variant.
Genome position (GRCh38, 1-based): chr4:150,848,819, T>A on the plus strand (A>T on the coding strand, the complement: LRBA is on the minus strand). VCF-style: chr4-150848819-T-A. GRCh37 (hg19) VCF-style: chr4-151769971-T-A.
Other names: c.4338A>T, p.Leu1446= (NM_001199282.3, NM_001367550.1, NM_006726.5).
Identifiers: ClinVar variation 1479886 (VCV001479886.8), dbSNP rs201059532, ClinGen allele CA441759132.